The following is an entry in ClinVar:

ClinVar aggregate classification (germline): Pathogenic (1 of 4 stars; one submission).

Conditions:
Familial adenomatous polyposis 4 (FAP4). Also called: MSH3-related attenuated familial adenomatous polyposis. Identifiers: Orphanet 480536, MedGen C4310719, MONDO:0044300, OMIM 617100.

Submission:

Myriad Genetics, Inc.
Classification: Pathogenic for Familial adenomatous polyposis 4. Last evaluated: 2023-08-29. Review status: criteria provided, single submitter. Criteria: Myriad Autosomal Dominant, Autosomal Recessive and X-Linked Classification Criteria (2023). Collection method: clinical testing. Allele origin: unknown.
Comment: This variant is considered pathogenic. This variant creates a frameshift predicted to result in premature protein truncation.

NM_002439.5(MSH3):c.309dup (p.Val104fs)

Gene: MSH3 (mutS homolog 3; plus strand). Cytogenetic location: 5q14.1.
Variant type: Duplication.
Coding change: c.309dup on transcript NM_002439.5 (MANE Select); coding-DNA position 309, one base duplicated (A; older notation c.309dupA).
Protein change: p.Val104fs; shifts the reading frame from valine 104.
Molecular consequence: frameshift variant.
Genome position (GRCh38, 1-based): chr5:80,656,482, A duplicated; the last of 3 consecutive A bases (chr5:80,656,480-80,656,482); duplicating any one gives the same sequence. VCF-style (leftmost placement, unchanged base first): chr5-80656479-G-GA. GRCh37 (hg19) VCF-style: chr5-79952298-G-GA.
Other names: short protein forms V104fs.
Identifiers: ClinVar variation 2673550 (VCV002673550.1), dbSNP rs2546712234, ClinGen allele CA2695198638.